The following is an entry in ClinVar:

ClinVar aggregate classification (germline): Uncertain significance. Review status: criteria provided, multiple submitters, no conflicts (2 of 4 stars). 2 submissions from 2 submitters: Uncertain significance (2). Last evaluated 2023-07-16.

Conditions:
Fanconi anemia complementation group O. Also called: RAD51C-Related Fanconi Anemia. Identifiers: Orphanet 84, MedGen C3150653, MONDO:0013248, OMIM 613390.
Hereditary cancer-predisposing syndrome. Also called: Tumor predisposition; Hereditary Cancer Syndrome; Neoplastic Syndromes, Hereditary; Hereditary neoplastic syndrome. Identifiers: Orphanet 140162, MedGen C0027672, MeSH D009386, MONDO:0015356.

Allele frequency attached by ClinVar (database versions not stated): gnomAD exomes 0.00001.
gnomAD v4.1: 20 of 1,614,190 alleles (0.0012%); highest among the groups gnomAD compares: Non-Finnish European, 0.0017%; no homozygotes.

Submissions (2):

Ambry Genetics
Classification: Uncertain significance for Hereditary cancer-predisposing syndrome. Last evaluated: 2023-07-16. Review status: criteria provided, single submitter. Criteria: Ambry Variant Classification Scheme 2023. Collection method: clinical testing. Allele origin: germline.
Comment: The p.C176R variant (also known as c.526T>C), located in coding exon 3 of the RAD51C gene, results from a T to C substitution at nucleotide position 526. The cysteine at codon 176 is replaced by arginine, an amino acid with highly dissimilar properties. This amino acid position is conserved. In addition, the in silico prediction for this alteration is inconclusive. Since supporting evidence is limited at this time, the clinical significance of this alteration remains unclear.

Labcorp Genetics (formerly Invitae), Labcorp
Classification: Uncertain significance for Fanconi anemia complementation group O. Last evaluated: 2022-01-02. Review status: criteria provided, single submitter. Criteria: Invitae Variant Classification Sherloc (09022015). Collection method: clinical testing. Allele origin: germline.
Comment: This sequence change replaces cysteine, which is neutral and slightly polar, with arginine, which is basic and polar, at codon 176 of the RAD51C protein (p.Cys176Arg). In summary, the available evidence is currently insufficient to determine the role of this variant in disease. Therefore, it has been classified as a Variant of Uncertain Significance. Algorithms developed to predict the effect of missense changes on protein structure and function are either unavailable or do not agree on the potential impact of this missense change (SIFT: "Deleterious"; PolyPhen-2: "Possibly Damaging"; Align-GVGD: "Class C0"). ClinVar contains an entry for this variant (Variation ID: 1019093). This variant has not been reported in the literature in individuals affected with RAD51C-related conditions. This variant is not present in population databases (gnomAD no frequency).

NM_058216.3(RAD51C):c.526T>C (p.Cys176Arg)

Gene: RAD51C (RAD51 paralog C; plus strand). Cytogenetic location: 17q22.
Variant type: single nucleotide variant.
Coding change: c.526T>C on transcript NM_058216.3 (MANE Select); coding-DNA position 526, T replaced by C.
Protein change: p.Cys176Arg; replaces cysteine 176 with arginine.
Molecular consequence: missense variant.
Genome position (GRCh38, 1-based): chr17:58,696,814, T>C. VCF-style: chr17-58696814-T-C. GRCh37 (hg19) VCF-style: chr17-56774175-T-C.
Other names: c.526T>C (NM_058216.1); short protein forms C176R.
Identifiers: ClinVar variation 1019093 (VCV001019093.10), dbSNP rs2048031436, ClinGen allele CA400345163.